The following is an entry in ClinVar:

NM_004608.4(TBX6):c.560G>A (p.Arg187Gln)

Gene: TBX6 (T-box transcription factor 6; minus strand). Cytogenetic location: 16p11.2.
Variant type: single nucleotide variant.
Coding change: c.560G>A on transcript NM_004608.4 (MANE Select); coding-DNA position 560, G replaced by A.
Protein change: p.Arg187Gln; replaces arginine 187 with glutamine.
Molecular consequence: missense variant.
Genome position (GRCh38, 1-based): chr16:30,089,004, C>T on the plus strand (G>A on the coding strand, the complement: TBX6 is on the minus strand). VCF-style: chr16-30089004-C-T. GRCh37 (hg19) VCF-style: chr16-30100325-C-T.
Other names: short protein forms R187Q.
Identifiers: ClinVar variation 2595917 (VCV002595917.6), dbSNP rs753205232, ClinGen allele CA8001893.

ClinVar aggregate classification (germline): Uncertain significance. Review status: criteria provided, multiple submitters, no conflicts (2 of 4 stars). 3 submissions from 3 submitters: Uncertain significance (3). Last evaluated 2025-03-10.

Conditions:
Inborn genetic diseases. Identifiers: MedGen C0950123, MeSH D030342.

Allele frequency attached by ClinVar (database versions not stated): ExAC 0.00002; gnomAD exomes 0.00002; gnomAD 0.00006; TOPMed 0.00006.
gnomAD v4.1: 44 of 1,613,700 alleles (0.0027%); highest among the groups gnomAD compares: African/African-American, 0.0053%; no homozygotes.

Submissions (3):

Labcorp Genetics (formerly Invitae), Labcorp
Classification: Uncertain significance. Last evaluated: 2025-03-10. Review status: criteria provided, single submitter. Criteria: Invitae Variant Classification Sherloc (09022015). Collection method: clinical testing. Allele origin: germline.
Comment: This sequence change replaces arginine, which is basic and polar, with glutamine, which is neutral and polar, at codon 187 of the TBX6 protein (p.Arg187Gln). This variant is present in population databases (rs753205232, gnomAD 0.004%). This variant has not been reported in the literature in individuals affected with TBX6-related conditions. ClinVar contains an entry for this variant (Variation ID: 2595917). Invitae Evidence Modeling of protein sequence and biophysical properties (such as structural, functional, and spatial information, amino acid conservation, physicochemical variation, residue mobility, and thermodynamic stability) indicates that this missense variant is not expected to disrupt TBX6 protein function with a negative predictive value of 80%. In summary, the available evidence is currently insufficient to determine the role of this variant in disease. Therefore, it has been classified as a Variant of Uncertain Significance.

Ambry Genetics
Classification: Uncertain significance for Inborn genetic diseases. Last evaluated: 2023-08-04. Review status: criteria provided, single submitter. Criteria: Ambry Variant Classification Scheme 2023. Collection method: clinical testing. Allele origin: germline.

Blueprint Genetics
Classification: Uncertain significance. Last evaluated: 2022-12-06. Review status: criteria provided, single submitter. Criteria: ACMG Guidelines, 2015. Collection method: clinical testing. Allele origin: germline.